The following is an entry in ClinVar:

ClinVar aggregate classification (germline): Uncertain significance. Review status: criteria provided, multiple submitters, no conflicts (2 of 4 stars). 4 submissions from 4 submitters: Uncertain significance (4). Last evaluated 2025-09-11.

Conditions:
Inborn genetic diseases. Identifiers: MedGen C0950123, MeSH D030342.
3M syndrome 2. Also called: 3-M Syndrome, OBSL1-Related; THREE M SYNDROME 2. Identifiers: Orphanet 2616, MedGen C2752041, MONDO:0013039, OMIM 612921.

Allele frequency attached by ClinVar (database versions not stated): gnomAD 0.00009; gnomAD exomes 0.00010 and 0.00021; TOPMed 0.00011; ExAC 0.00044.

Submissions (4):

Ambry Genetics
Classification: Uncertain significance for Inborn genetic diseases. Last evaluated: 2025-09-11. Review status: criteria provided, single submitter. Criteria: Ambry Variant Classification Scheme 2023. Collection method: clinical testing. Allele origin: germline.
Comment: The c.367T>C (p.S123P) alteration is located in exon 1 (coding exon 1) of the OBSL1 gene. This alteration results from a T to C substitution at nucleotide position 367, causing the serine (S) at amino acid position 123 to be replaced by a proline (P). Based on data from gnomAD, the C allele has an overall frequency of 0.015% (14/92348) total alleles studied. The highest observed frequency was 0.156% (9/5752) of Ashkenazi Jewish alleles. This amino acid position is poorly conserved in available vertebrate species. This missense alteration is located in a region that has a low rate of benign missense variation (Lek, 2016; Firth, 2009). This alteration is predicted to be tolerated by in silico analysis. Based on insufficient or conflicting evidence, the clinical significance of this alteration remains unclear.

Women's Health and Genetics/Laboratory Corporation of America, LabCorp
Classification: Uncertain significance. Last evaluated: 2025-06-30. Review status: criteria provided, single submitter. Criteria: LabCorp Variant Classification Summary - May 2015. Collection method: clinical testing. Allele origin: germline.
Comment: Variant summary: OBSL1 c.367T>C (p.Ser123Pro) results in a non-conservative amino acid change in the encoded protein sequence. Algorithms developed to predict the effect of missense changes on protein structure and function are either unavailable or do not agree on the potential impact of this missense change. The variant allele was found at a frequency of 0.00021 in 61746 control chromosomes. This frequency is not significantly higher than estimated for a pathogenic variant in OBSL1 causing Three M Syndrome 2 (0.00021 vs 0.0011), allowing no conclusion about variant significance. To our knowledge, no occurrence of c.367T>C in individuals affected with Three M Syndrome 2 and no experimental evidence demonstrating its impact on protein function have been reported. ClinVar contains an entry for this variant (Variation ID: 894884). Based on the evidence outlined above, the variant was classified as uncertain significance.

Labcorp Genetics (formerly Invitae), Labcorp
Classification: Uncertain significance. Last evaluated: 2024-05-15. Review status: criteria provided, single submitter. Criteria: Invitae Variant Classification Sherloc (09022015). Collection method: clinical testing. Allele origin: germline.
Comment: This sequence change replaces serine, which is neutral and polar, with proline, which is neutral and non-polar, at codon 123 of the OBSL1 protein (p.Ser123Pro). This variant is present in population databases (rs748291209, gnomAD 0.2%). This variant has not been reported in the literature in individuals affected with OBSL1-related conditions. ClinVar contains an entry for this variant (Variation ID: 894884). Algorithms developed to predict the effect of missense changes on protein structure and function output the following: SIFT: "Not Available"; PolyPhen-2: "Benign"; Align-GVGD: "Not Available". The proline amino acid residue is found in multiple mammalian species, which suggests that this missense change does not adversely affect protein function. In summary, the available evidence is currently insufficient to determine the role of this variant in disease. Therefore, it has been classified as a Variant of Uncertain Significance.

Illumina Laboratory Services, Illumina
Classification: Uncertain significance for 3M syndrome 2. Last evaluated: 2018-01-13. Review status: criteria provided, single submitter. Criteria: ICSL Variant Classification Criteria 13 December 2019. Collection method: clinical testing. Allele origin: germline.

NM_015311.3(OBSL1):c.367T>C (p.Ser123Pro)

Gene: OBSL1 (obscurin like cytoskeletal adaptor 1; minus strand). Cytogenetic location: 2q35.
Variant type: single nucleotide variant.
Coding change: c.367T>C on transcript NM_015311.3 (MANE Select); coding-DNA position 367, T replaced by C.
Protein change: p.Ser123Pro; replaces serine 123 with proline.
Molecular consequence: missense variant.
Genome position (GRCh38, 1-based): chr2:219,570,866, A>G on the plus strand (T>C on the coding strand, the complement: OBSL1 is on the minus strand). VCF-style: chr2-219570866-A-G. GRCh37 (hg19) VCF-style: chr2-220435588-A-G.
Other names: c.367T>C, p.Ser123Pro (NM_001173408.2, NM_001173431.2); short protein forms S123P.
Identifiers: ClinVar variation 894884 (VCV000894884.11), dbSNP rs748291209, ClinGen allele CA2131808.
Genomic context (GRCh38, chr2:219,570,866, plus strand): 5'-CCCCCCGCAGCACCCACTGGGATCGAGGCCCCGTGAGGAAGACCGGGGCGCCCTCCCCGG[A>G]CCCCGGCGATGGCAGCGGGCGCTCGGCGGGCTGCAGCTCGGGGTCGGAGGCCGGCGGCTC-3'
Protein context (NP_056126.1, residues 113-133): PAERPLPSPG[Ser123Pro]GEGAPVFLTG